The following is an entry in ClinVar:

ClinVar aggregate classification (germline): Uncertain significance (1 of 4 stars; one submission).

gnomAD v4.1: 53 of 1,613,606 alleles (0.0033%); highest among the groups gnomAD compares: Non-Finnish European, 0.0043%; no homozygotes.

Submission:

Labcorp Genetics (formerly Invitae), Labcorp
Classification: Uncertain significance. Last evaluated: 2021-10-07. Review status: criteria provided, single submitter. Criteria: Invitae Variant Classification Sherloc (09022015). Collection method: clinical testing. Allele origin: germline.
Comment: This sequence change replaces alanine with proline at codon 886 of the RBBP8 protein (p.Ala886Pro). The alanine residue is highly conserved and there is a small physicochemical difference between alanine and proline. This variant is present in population databases (rs373041053, ExAC 0.003%). This variant has not been reported in the literature in individuals affected with RBBP8-related conditions. Algorithms developed to predict the effect of missense changes on protein structure and function are either unavailable or do not agree on the potential impact of this missense change (SIFT: "Deleterious"; PolyPhen-2: "Probably Damaging"; Align-GVGD: "Class C0"). In summary, the available evidence is currently insufficient to determine the role of this variant in disease. Therefore, it has been classified as a Variant of Uncertain Significance.

NM_002894.3(RBBP8):c.2656G>C (p.Ala886Pro)

Gene: RBBP8 (RB binding protein 8, endonuclease; plus strand). Cytogenetic location: 18q11.2.
Variant type: single nucleotide variant.
Coding change: c.2656G>C on transcript NM_002894.3 (MANE Select); coding-DNA position 2656, G replaced by C.
Protein change: p.Ala886Pro; replaces alanine 886 with proline.
Molecular consequence: missense variant. On other transcripts: synonymous variant (1).
Genome position (GRCh38, 1-based): chr18:23,026,202, G>C. VCF-style: chr18-23026202-G-C. GRCh37 (hg19) VCF-style: chr18-20606165-G-C.
Other names: c.2656G>C, p.Ala886Pro (NM_203291.2); c.2559G>C, p.Thr853= (NM_203292.2); short protein forms A886P.
Identifiers: ClinVar variation 1370643 (VCV001370643.5), dbSNP rs373041053, ClinGen allele CA8910438.